The following is an entry in ClinVar:

ClinVar aggregate classification (germline): Likely benign. Review status: reviewed by expert panel (3 of 4 stars). 3 submissions from 3 submitters: Likely benign (1). 2 of the submissions do not count toward it. Last evaluated 2017-06-29.

Conditions:
Breast-ovarian cancer, familial, susceptibility to, 1 (BROVCA1). Also called: BRCA1 Hereditary Breast and Ovarian Cancer; OVARIAN CANCER, SUSCEPTIBILITY TO. Identifiers: Orphanet 145, MedGen C2676676, MONDO:0011450, OMIM 604370. Disease mechanism: loss of function.

Allele frequency attached by ClinVar (database versions not stated): gnomAD exomes below 0.00001; TOPMed below 0.00001; ExAC 0.00001.
gnomAD v4.1: 1 of 1,612,188 alleles (0.000062%); highest among the groups gnomAD compares: East Asian, 0.0022%; no homozygotes.

Submissions (3):

Evidence-based Network for the Interpretation of Germline Mutant Alleles (ENIGMA)
Classification: Likely benign for Breast-ovarian cancer, familial, susceptibility to, 1. Last evaluated: 2017-06-29. Review status: reviewed by expert panel. Criteria: ENIGMA BRCA1/2 Classification Criteria (2017-06-29). Collection method: curation. Allele origin: germline.
Comment: Synonymous substitution variant, with low bioinformatic likelihood to result in a splicing aberration (Splicing prior probability 0.02).

All of Us Research Program, National Institutes of Health
Classification: Likely benign for Breast-ovarian cancer, familial, susceptibility to, 1. Last evaluated: 2023-08-15. Review status: criteria provided, single submitter. Criteria: ACMG Guidelines, 2015. Collection method: clinical testing. Allele origin: germline. Inheritance: Autosomal dominant inheritance. Observed: 1 variant allele, 1 heterozygote. Not counted in ClinVar's aggregate classification.
Comment: This study involves interpretation of variants in research participants for the purpose of population health screening. Participant phenotype was not available at the time of variant classification. Additional details can be found in publication PMID: 35346344, PMCID: PMC8962531

Women's Health and Genetics/Laboratory Corporation of America, LabCorp
Classification: Likely benign. Last evaluated: 2019-08-21. Review status: criteria provided, single submitter. Criteria: LabCorp Variant Classification Summary - May 2015. Collection method: clinical testing. Allele origin: germline. Not counted in ClinVar's aggregate classification.

NM_007294.4(BRCA1):c.819A>G (p.Pro273=)

Gene: BRCA1 (BRCA1 DNA repair associated; minus strand). Cytogenetic location: 17q21.31.
Variant type: single nucleotide variant.
Coding change: c.819A>G on transcript NM_007294.4 (MANE Select); coding-DNA position 819, A replaced by G.
Protein change: p.Pro273=; no amino-acid change (proline 273 retained).
Molecular consequence: synonymous variant. On other transcripts: 5 prime UTR variant (2), intron variant (137).
Genome position (GRCh38, 1-based): chr17:43,094,712, T>C on the plus strand (A>G on the coding strand, the complement: BRCA1 is on the minus strand). VCF-style: chr17-43094712-T-C. GRCh37 (hg19) VCF-style: chr17-41246729-T-C.
Other names: c.606A>G, p.Pro202= (NM_001407571.1, NM_001407853.1, NM_001407894.1 and 9 more transcripts); c.819A>G, p.Pro273= (NM_001407581.1, NM_001407582.1, NM_001407583.1 and 30 more transcripts); c.816A>G, p.Pro272= (NM_001407587.1, NM_001407590.1, NM_001407591.1 and 22 more transcripts); c.810A>G, p.Pro270= (NM_001407646.1, NM_001407647.1); c.696A>G, p.Pro232= (NM_001407648.1, NM_001407664.1, NM_001407665.1 and 19 more transcripts); c.693A>G, p.Pro231= (NM_001407649.1, NM_001407670.1, NM_001407671.1 and 11 more transcripts); c.741A>G, p.Pro247= (NM_001407653.1, NM_001407654.1, NM_001407655.1 and 4 more transcripts); c.738A>G, p.Pro246= (NM_001407659.1, NM_001407660.1, NM_001407661.1 and 1 more transcripts); and 40 more.
Identifiers: ClinVar variation 427325 (VCV000427325.6), dbSNP rs779225364, ClinGen allele CA056765.